The following is an entry in ClinVar:

ClinVar aggregate classification (germline): Uncertain significance (0 of 4 stars; one submission).

Conditions:
SYNE1-related disorder. Also called: SYNE1-related disease; SYNE1-related condition; SYNE1-related disorders.

gnomAD v4.1: 3 of 1,614,156 alleles (0.00019%); highest among the groups gnomAD compares: East Asian, 0.0067%; no homozygotes.

Submission:

PreventionGenetics, part of Exact Sciences
Classification: Uncertain significance for SYNE1-related condition. Last evaluated: 2024-08-19. Review status: no assertion criteria provided. Collection method: clinical testing. Allele origin: germline.
Comment: The SYNE1 c.8142A>C variant is predicted to result in the amino acid substitution p.Leu2714Phe. To our knowledge, this variant has not been reported in the literature or in a large population database, indicating this variant is rare. At this time, the clinical significance of this variant is uncertain due to the absence of conclusive functional and genetic evidence.

NM_182961.4(SYNE1):c.8121A>C (p.Leu2707Phe)

Gene: SYNE1 (spectrin repeat containing nuclear envelope protein 1; minus strand). Cytogenetic location: 6q25.2.
Variant type: single nucleotide variant.
Coding change: c.8121A>C on transcript NM_182961.4 (MANE Select); coding-DNA position 8121, A replaced by C.
Protein change: p.Leu2707Phe; replaces leucine 2707 with phenylalanine.
Molecular consequence: missense variant.
Genome position (GRCh38, 1-based): chr6:152,390,336, T>G on the plus strand (A>C on the coding strand, the complement: SYNE1 is on the minus strand). VCF-style: chr6-152390336-T-G. GRCh37 (hg19) VCF-style: chr6-152711471-T-G.
Other names: c.8142A>C, p.Leu2714Phe (NM_033071.5); short protein forms L2707F, L2714F.
Identifiers: ClinVar variation 2632708 (VCV002632708.2), dbSNP rs757539486, ClinGen allele CA366105490.